The following is an entry in ClinVar:

NM_001943.5(DSG2):c.1319_1320del (p.Val440fs)

Gene: DSG2 (desmoglein 2; plus strand). Cytogenetic location: 18q12.1.
Variant type: Microsatellite.
Coding change: c.1319_1320del on transcript NM_001943.5 (MANE Select); coding-DNA positions 1319 to 1320, 2 bases deleted (TG; older notation c.1319_1320delTG).
Protein change: p.Val440fs; shifts the reading frame from valine 440.
Molecular consequence: frameshift variant.
Genome position (GRCh38, 1-based): chr18:31,535,308-31,535,309, TG deleted; deleting any 2 consecutive bases within chr18:31,535,306-31,535,309 gives the same sequence; the c. name uses the placement nearest the transcript's 3' end. VCF-style (leftmost placement, unchanged base first): chr18-31535305-CTG-C. GRCh37 (hg19) VCF-style: chr18-29115268-CTG-C.
Other names: c.1319_1320delTG (NM_001943.3, NM_001943.5); short protein forms V440fs.
Identifiers: ClinVar variation 666600 (VCV000666600.48), dbSNP rs775256998, ClinGen allele CA042091.

ClinVar aggregate classification (germline): Pathogenic/Likely pathogenic. Review status: criteria provided, multiple submitters, no conflicts (2 of 4 stars). 10 submissions from 10 submitters: Pathogenic (2); Likely pathogenic (6). 2 of the submissions do not count toward it. Last evaluated 2025-06-11.

Conditions:
Dilated cardiomyopathy 1BB (CMD1BB). Also called: CARDIOMYOPATHY, DILATED, 1BB, SUSCEPTIBILITY TO. Identifiers: Orphanet 154, MedGen C2752072, MONDO:0013030, OMIM 612877.
Arrhythmogenic right ventricular dysplasia 10. Also called: Arrhythmogenic Right Ventricular Dysplasia/Cardiomyopathy10; ARRHYTHMOGENIC RIGHT VENTRICULAR DYSPLASIA, FAMILIAL, 10; Arrhythmogenic right ventricular dysplasia/cardiomyopathy, type 10. Identifiers: MedGen C1857777, MONDO:0012434, OMIM 610193.
Cardiovascular phenotype. Identifiers: MedGen CN230736.
Cardiomyopathy (CMYO). Also called: Cardiomyopathies. Identifiers: Orphanet 167848, MedGen C0878544, MONDO:0004994, HP:0001638. Inheritance: Various modes of inheritance.

Submissions (10):

Labcorp Genetics (formerly Invitae), Labcorp
Classification: Pathogenic for Arrhythmogenic right ventricular dysplasia 10. Last evaluated: 2025-06-11. Review status: criteria provided, single submitter. Criteria: Invitae Variant Classification Sherloc (09022015). Collection method: clinical testing. Allele origin: germline.
Comment: This sequence change creates a premature translational stop signal (p.Val440Glyfs*6) in the DSG2 gene. It is expected to result in an absent or disrupted protein product. Loss-of-function variants in DSG2 are known to be pathogenic (PMID: 17105751, 31386562). This variant is present in population databases (rs775256998, gnomAD 0.007%). This variant has not been reported in the literature in individuals affected with DSG2-related conditions. ClinVar contains an entry for this variant (Variation ID: 666600). For these reasons, this variant has been classified as Pathogenic.

Ambry Genetics
Classification: Pathogenic for Cardiovascular phenotype. Last evaluated: 2025-04-07. Review status: criteria provided, single submitter. Criteria: Ambry Variant Classification Scheme 2023. Collection method: clinical testing. Allele origin: germline.
Comment: The c.1319_1320delTG (p.V440Gfs*6) alteration, located in exon 10 (coding exon 10) of the DSG2 gene, consists of a deletion of 2 nucleotides from position 1319 to 1320, causing a translational frameshift with a predicted alternate stop codon after 6 amino acids. This alteration is expected to result in loss of function by premature protein truncation or nonsense-mediated mRNA decay. Based on data from gnomAD, this frameshift variant has an overall frequency of 0.002% (4/244316) of the total alleles studied. Based on the available evidence, this alteration is classified as pathogenic.

Revvity Omics, Revvity
Classification: Likely pathogenic. Last evaluated: 2025-03-27. Review status: criteria provided, single submitter. Criteria: ACMG Guidelines, 2015. Collection method: clinical testing. Allele origin: germline.

Fulgent Genetics
Classification: Likely pathogenic for Arrhythmogenic right ventricular dysplasia 10; Dilated cardiomyopathy 1BB. Last evaluated: 2024-02-20. Review status: criteria provided, single submitter. Criteria: ACMG Guidelines, 2015. Collection method: clinical testing. Allele origin: germline.

CeGaT Center for Human Genetics Tuebingen
Classification: Likely pathogenic. Last evaluated: 2023-07-01. Review status: criteria provided, single submitter. Criteria: CeGaT Center For Human Genetics Tuebingen Variant Classification Criteria Version 2. Collection method: clinical testing. Allele origin: germline. Affected: yes. Observed: 2 variant alleles.
Comment: DSG2: PVS1:Strong, PM2

GeneDx
Classification: Likely pathogenic. Last evaluated: 2022-10-03. Review status: criteria provided, single submitter. Criteria: GeneDx Variant Classification Process June 2021. Collection method: clinical testing. Allele origin: germline. Affected: yes.
Comment: Frameshift variant predicted to result in protein truncation or nonsense mediated decay in a gene for which loss of function is a known mechanism of disease; Not observed at significant frequency in large population cohorts (gnomAD); Has not been previously published in association with ARVC to our knowledge; This variant is associated with the following publications: (PMID: 31638835)

AiLife Diagnostics
Classification: Likely pathogenic. Last evaluated: 2022-02-08. Review status: criteria provided, single submitter. Criteria: ACMG Guidelines, 2015. Collection method: clinical testing. Allele origin: germline. Affected: yes. Observed: 1 variant allele.

Division of Medical Genetics, University of Washington
Classification: Likely pathogenic for Arrhythmogenic right ventricular dysplasia 10. Last evaluated: 2019-11-22. Review status: criteria provided, single submitter. Criteria: ACMG Guidelines, 2015. Collection method: clinical testing. Allele origin: germline. Study: CSER_CHARM.
Comment: This variant leads to a translational frameshift and the introduction of a premature termination codon 6 residues downstream. The variant transcript is predicted to be unstable and degraded by nonsense-mediated decay. Loss of expression of one allele of DSG2 is a well-established mechanism of disease for ARVC (Rasmussen 2013, Al-Jassar 2013). To our knowledge, this sequence variant has not been previously reported in the literature. This variant has an allele frequency of 0.000017 in the Broad Institute gnomAD Browser. Thus, this variant is interpreted as likely pathogenic. PVS1

Color Diagnostics, LLC DBA Color Health
Classification: Uncertain significance for Cardiomyopathy. Last evaluated: 2021-07-07. Review status: flagged submission. Criteria: ACMG Guidelines, 2015. Collection method: clinical testing. Allele origin: germline. Not counted in ClinVar's aggregate classification.
Comment: This variant deletes 2 nucleotides in exon 10 of the DSG2 gene, creating a frameshift and premature translation stop signal. This variant is expected to result in an absent or non-functional protein product. To our knowledge, this variant has not been reported in individuals affected with cardiovascular disorders in the literature. This variant has been identified in 4/244316 chromosomes in the general population by the Genome Aggregation Database (gnomAD). Although there is a suspicion for a pathogenic role, clinical relevance of loss-of-function DSG2 truncation and splice variants in autosomal dominant arrhythmogenic cardiomyopathy is not yet clearly established. The available evidence is insufficient to determine the role of this variant in disease conclusively. Therefore, this variant is classified as a Variant of Uncertain Significance.
ClinVar note: Reason: Outlier claim with insufficient supporting evidence

Laboratory for Molecular Medicine, Mass General Brigham Personalized Medicine
Classification: Uncertain significance. Last evaluated: 2018-06-27. Review status: flagged submission. Criteria: LMM Criteria. Collection method: clinical testing. Allele origin: germline. Observed: 3 variant alleles. Not counted in ClinVar's aggregate classification.
Comment: Variant classified as Uncertain Significance - Favor Pathogenic. The p.Val440fs variant in DSG2 has not been previously reported in individuals with ARVC, but h as been identified in 2/30266 South Asian chromosomes by the Genome Aggregation Database (gnomAD; dbSNP rs775256998). This var iant is predicted to cause a frameshift, which alters the protein?s amino acid s equence beginning at position 440 and leads to a premature termination codon 6 a mino acids downstream. This alteration is then predicted to lead to a truncated or absent protein. In summary, while there is some suspicion for a pathogenic ro le, the clinical significance of the p.Val440fs variant is uncertain. ACMG/AMP c riteria applied: PM2, PVS1_Moderate.
ClinVar note: Reason: Outlier claim with insufficient supporting evidence

Literature cited by the submitters: PubMed 17105751 (cited by Labcorp Genetics (formerly Invitae), Labcorp); PubMed 31386562 (cited by Labcorp Genetics (formerly Invitae), Labcorp); PubMed 31638835 (cited by AiLife Diagnostics).